The following is an entry in ClinVar:

ClinVar aggregate classification (germline): Uncertain significance. Review status: criteria provided, multiple submitters, no conflicts (2 of 4 stars). 2 submissions from 2 submitters: Uncertain significance (2). Last evaluated 2024-05-12.

Conditions:
Amyotrophic neuralgia (HNA). Also called: AMYOTROPHY, HEREDITARY NEURALGIC; Hereditary Brachial Plexus Neuropathy; Neuritis with Brachial Predilection; AMYOTROPHY, HEREDITARY NEURALGIC, WITH PREDILECTION FOR BRACHIAL PLEXUS. Identifiers: Orphanet 2901, MedGen C1834304, MONDO:0008076, OMIM 162100.

Allele frequency attached by ClinVar (database versions not stated): TOPMed 0.00001.
gnomAD v4.1: 28 of 1,613,696 alleles (0.0017%); highest among the groups gnomAD compares: East Asian, 0.022%; no homozygotes.

Submissions (2):

Labcorp Genetics (formerly Invitae), Labcorp
Classification: Uncertain significance. Last evaluated: 2024-05-12. Review status: criteria provided, single submitter. Criteria: Invitae Variant Classification Sherloc (09022015). Collection method: clinical testing. Allele origin: germline.
Comment: This sequence change replaces valine, which is neutral and non-polar, with methionine, which is neutral and non-polar, at codon 50 of the SEPT9 protein (p.Val50Met). This variant is present in population databases (rs11537706, gnomAD 0.006%). This variant has not been reported in the literature in individuals affected with SEPT9-related conditions. ClinVar contains an entry for this variant (Variation ID: 325540). Advanced modeling of protein sequence and biophysical properties (such as structural, functional, and spatial information, amino acid conservation, physicochemical variation, residue mobility, and thermodynamic stability) performed at Invitae indicates that this missense variant is not expected to disrupt SEPT9 protein function with a negative predictive value of 80%. In summary, the available evidence is currently insufficient to determine the role of this variant in disease. Therefore, it has been classified as a Variant of Uncertain Significance.

Illumina Laboratory Services, Illumina
Classification: Uncertain significance for Amyotrophy, hereditary neuralgic. Last evaluated: 2018-01-13. Review status: criteria provided, single submitter. Criteria: ICSL Variant Classification Criteria 13 December 2019. Collection method: clinical testing. Allele origin: germline.

NM_001113491.2(SEPTIN9):c.202G>A (p.Val68Met)

Gene: SEPTIN9 (septin 9; plus strand). Cytogenetic location: 17q25.3.
Variant type: single nucleotide variant.
Coding change: c.202G>A on transcript NM_001113491.2 (MANE Select); coding-DNA position 202, G replaced by A.
Protein change: p.Val68Met; replaces valine 68 with methionine.
Molecular consequence: missense variant. On other transcripts: 5 prime UTR variant (2).
Genome position (GRCh38, 1-based): chr17:77,402,184, G>A. VCF-style: chr17-77402184-G-A. GRCh37 (hg19) VCF-style: chr17-75398266-G-A.
Other names: c.-291G>A (NM_001113492.2, NM_001113494.1); c.181G>A, p.Val61Met (NM_001113493.2); c.145G>A, p.Val49Met (NM_001293695.2); c.148G>A, p.Val50Met (NM_006640.5); short protein forms V50M, V61M, V68M, V49M.
Identifiers: ClinVar variation 325540 (VCV000325540.7), dbSNP rs11537706, ClinGen allele CA8793138.
Genomic context (GRCh38, chr17:77,402,184, plus strand): 5'-CAGACTCCCCTACTCCGAGCCACTGTGGCCAGCTCCACCCAGAAATTCCAGGACCTGGGC[G>A]TGAAGAACTCAGAACCCTCGGCCCGCCATGTGGACTCCCTAAGCCAACGCTCCCCCAAGG-3'
Protein context (NP_001106963.1, residues 58-78): SSTQKFQDLG[Val68Met]KNSEPSARHV